The following is an entry in ClinVar:

NM_002439.5(MSH3):c.2116C>T (p.Leu706Phe)

Gene: MSH3 (mutS homolog 3; plus strand). Cytogenetic location: 5q14.1.
Variant type: single nucleotide variant.
Coding change: c.2116C>T on transcript NM_002439.5 (MANE Select); coding-DNA position 2116, C replaced by T.
Protein change: p.Leu706Phe; replaces leucine 706 with phenylalanine.
Molecular consequence: missense variant.
Genome position (GRCh38, 1-based): chr5:80,768,866, C>T. VCF-style: chr5-80768866-C-T. GRCh37 (hg19) VCF-style: chr5-80064685-C-T.
Other names: short protein forms L706F.
Identifiers: ClinVar variation 2126195 (VCV002126195.4), dbSNP rs2112885127, ClinGen allele CA360279277.

ClinVar aggregate classification (germline): Uncertain significance (1 of 4 stars; one submission).

Submission:

Labcorp Genetics (formerly Invitae), Labcorp
Classification: Uncertain significance. Last evaluated: 2025-05-12. Review status: criteria provided, single submitter. Criteria: Invitae Variant Classification Sherloc (09022015). Collection method: clinical testing. Allele origin: germline.
Comment: This sequence change replaces leucine, which is neutral and non-polar, with phenylalanine, which is neutral and non-polar, at codon 706 of the MSH3 protein (p.Leu706Phe). This variant is not present in population databases (gnomAD no frequency). This variant has not been reported in the literature in individuals affected with MSH3-related conditions. ClinVar contains an entry for this variant (Variation ID: 2126195). An algorithm developed to predict the effect of missense changes on protein structure and function (PolyPhen-2) suggests that this variant is likely to be disruptive. RNA analysis performed to evaluate the impact of this missense change on mRNA splicing indicates it does not significantly alter splicing (internal data). In summary, the available evidence is currently insufficient to determine the role of this variant in disease. Therefore, it has been classified as a Variant of Uncertain Significance.